The following is an entry in ClinVar:

ClinVar aggregate classification (germline): Uncertain significance (1 of 4 stars; one submission).

Conditions:
Oculofaciocardiodental syndrome (MCOPS2). Identifiers: Orphanet 2712, MedGen C1846265, MONDO:0010261, OMIM 300166.

Submission:

Labcorp Genetics (formerly Invitae), Labcorp
Classification: Uncertain significance for Oculofaciocardiodental syndrome. Last evaluated: 2021-04-16. Review status: criteria provided, single submitter. Criteria: Invitae Variant Classification Sherloc (09022015). Collection method: clinical testing. Allele origin: germline.
Comment: In summary, the available evidence is currently insufficient to determine the role of this variant in disease. Therefore, it has been classified as a Variant of Uncertain Significance. Algorithms developed to predict the effect of missense changes on protein structure and function (SIFT, PolyPhen-2, Align-GVGD) all suggest that this variant is likely to be disruptive, but these predictions have not been confirmed by published functional studies and their clinical significance is uncertain. This variant has been observed in one or more individuals who were not affected with BCOR-related conditions (Invitae). This variant is not present in population databases (ExAC no frequency). This sequence change replaces proline with threonine at codon 313 of the BCOR protein (p.Pro313Thr). The proline residue is highly conserved and there is a small physicochemical difference between proline and threonine.

NM_001123385.2(BCOR):c.937C>A (p.Pro313Thr)

Genes: BCOR (BCL6 corepressor; minus strand), LOC126863239 (MED14-independent group 3 enhancer GRCh37_chrX:39932994-39934193; plus strand). Cytogenetic location: Xp11.4.
Variant type: single nucleotide variant.
Coding change: c.937C>A on transcript NM_001123385.2 (MANE Select); coding-DNA position 937, C replaced by A.
Protein change: p.Pro313Thr; replaces proline 313 with threonine.
Molecular consequence: missense variant.
Genome position (GRCh38, 1-based): chrX:40,074,409, G>T on the plus strand (C>A on the coding strand, the complement: BCOR is on the minus strand). VCF-style: chrX-40074409-G-T. GRCh37 (hg19) VCF-style: chrX-39933662-G-T.
Other names: c.937C>A, p.Pro313Thr (NM_001123383.2, NM_001123384.2, NM_017745.6); short protein forms P313T.
Identifiers: ClinVar variation 1022042 (VCV001022042.9), dbSNP rs1935673901, ClinGen allele CA412747651.